The following is an entry in ClinVar:

NM_001277115.2(DNAH11):c.7787G>A (p.Arg2596Gln)

Gene: DNAH11 (dynein axonemal heavy chain 11; plus strand). Cytogenetic location: 7p15.3.
Variant type: single nucleotide variant.
Coding change: c.7787G>A on transcript NM_001277115.2 (MANE Select); coding-DNA position 7787, G replaced by A.
Protein change: p.Arg2596Gln; replaces arginine 2596 with glutamine.
Molecular consequence: missense variant.
Genome position (GRCh38, 1-based): chr7:21,738,842, G>A. VCF-style: chr7-21738842-G-A. GRCh37 (hg19) VCF-style: chr7-21778460-G-A.
Other names: NM_001277115.2:c.7787G>A; c.7808G>A, p.Arg2603Gln (NM_003777.3); c.7787G>A (NM_001277115.1); short protein forms R2596Q, R2603Q.
Identifiers: ClinVar variation 2784519 (VCV002784519.7), dbSNP rs780492669, ClinGen allele CA4181347.
Genomic context (GRCh38, chr7:21,738,842, plus strand): 5'-ACGACATGAACATGCCTGAAGTGGACTTATATGGCACCGTTCAGCCTCACACCCTGATCC[G>A]GCAGCATATTGATTATGGACATTGGTAAGCAAGTCTCTGTAGTTTACTCTCTCCCAAAAT-3'
Protein context (NP_001264044.1, residues 2586-2606): YGTVQPHTLI[Arg2596Gln]QHIDYGHWYD

ClinVar aggregate classification (germline): Conflicting classifications of pathogenicity. Review status: criteria provided, conflicting classifications (1 of 4 stars). 4 submissions from 4 submitters: Uncertain significance (3); Benign (1). Last evaluated 2026-06-06.

Conditions:
Primary ciliary dyskinesia 7. Also called: CILIARY DYSKINESIA, PRIMARY, 7, WITH OR WITHOUT SITUS INVERSUS. Identifiers: Orphanet 244, MedGen C2678473, MONDO:0012748, OMIM 611884.
Primary ciliary dyskinesia. Also called: Ciliary dyskinesia. Identifiers: Orphanet 244, MedGen C0008780, MONDO:0016575, HP:0012265.

Allele frequency attached by ClinVar (database versions not stated): ExAC 0.00002; gnomAD exomes 0.00002; gnomAD 0.00003; TOPMed 0.00003.
gnomAD v4.1: 28 of 1,601,980 alleles (0.0017%); highest among the groups gnomAD compares: African/African-American, 0.0067%; 1 homozygote.

Submissions (4):

GeneDx
Classification: Uncertain significance. Last evaluated: 2026-06-06. Review status: criteria provided, single submitter. Criteria: GeneDx Variant Classification Process June 2021. Collection method: clinical testing. Allele origin: germline.
Comment: Identified with a second DNAH11 variant on the opposite allele (in trans) in an individual with primary ciliary dyskinesia in published literature (PMID: 34405951); In silico analysis supports that this missense variant has a deleterious effect on protein structure/function; This variant is associated with the following publications: (PMID: 34405951)

Broad Center for Mendelian Genomics, Broad Institute of MIT and Harvard
Classification: Uncertain significance for Primary ciliary dyskinesia 7. Last evaluated: 2025-02-18. Review status: criteria provided, single submitter. Criteria: ACMG Guidelines, 2015. Collection method: curation. Allele origin: germline. Inheritance: Autosomal recessive inheritance.
Comment: The p.Arg2596Gln variant in DNAH11 has been reported, in the compound heterozygous state, in 1 individual with primary ciliary dyskinesia (PMID: 34405951), and has been identified in 0.007% (5/74452) of African/African American chromosomes by the Genome Aggregation Database (gnomAD; dbSNP rs780492669). Although this variant has been seen in the general population in a heterozygous state, its frequency is low enough to be consistent with a recessive carrier frequency. Computational prediction tools and conservation analyses do not provide strong support for or against an impact to the protein. In summary, the clinical significance of the p.Arg2596Gln variant is uncertain. ACMG/AMP Criteria applied: PM3, PM2_supporting (Richards 2015).

Labcorp Genetics (formerly Invitae), Labcorp
Classification: Benign for Primary ciliary dyskinesia. Last evaluated: 2024-08-08. Review status: criteria provided, single submitter. Criteria: Invitae Variant Classification Sherloc (09022015). Collection method: clinical testing. Allele origin: germline.

Blueprint Genetics
Classification: Uncertain significance. Last evaluated: 2023-05-19. Review status: criteria provided, single submitter. Criteria: ACMG Guidelines, 2015. Collection method: clinical testing. Allele origin: germline.